The following is an entry in ClinVar:

NM_001291415.2(KDM6A):c.3974T>G (p.Leu1325Arg)

Gene: KDM6A (lysine demethylase 6A; plus strand). Cytogenetic location: Xp11.3.
Variant type: single nucleotide variant.
Coding change: c.3974T>G on transcript NM_001291415.2 (MANE Select); coding-DNA position 3974, T replaced by G.
Protein change: p.Leu1325Arg; replaces leucine 1325 with arginine.
Molecular consequence: missense variant. On other transcripts: non-coding transcript variant (1).
Genome position (GRCh38, 1-based): chrX:45,090,804, T>G. VCF-style: chrX-45090804-T-G. GRCh37 (hg19) VCF-style: chrX-44950049-T-G.
Other names: c.3839T>G, p.Leu1280Arg (NM_001291416.2, NM_001419811.1); c.3683T>G, p.Leu1228Arg (NM_001291417.2); c.3581T>G, p.Leu1194Arg (NM_001291418.2, NM_001419815.1); c.2930T>G, p.Leu977Arg (NM_001291421.2); c.3716T>G, p.Leu1239Arg (NM_001410742.1, NM_001419814.1); c.3974T>G, p.Leu1325Arg (NM_001419809.1); c.3872T>G, p.Leu1291Arg (NM_001419810.1, NM_001419813.1); c.3818T>G, p.Leu1273Arg (NM_001419812.1, NM_021140.4); short protein forms L1194R, L1228R, L1239R, L1273R, L1280R, L1291R, L1325R, L977R.
Identifiers: ClinVar variation 4530483 (VCV004530483.1).
Genomic context (GRCh38, chrX:45,090,804, plus strand): 5'-TGGAACGGTACGAATGGAACAAATTGCAAAGTGTGAAGTCAATAGTACCCATGGTTCATC[T>G]TTCCTGGAATATGGCACGAAATATCAAGGTCTCAGATCCAAAGCTTTTTGAAATGATTAA-3'
Protein context (NP_001278344.1, residues 1315-1335): SVKSIVPMVH[Leu1325Arg]SWNMARNIKV

ClinVar aggregate classification (somatic clinical impact): Tier II - Potential (1 of 4 stars; one submission).

Conditions:
Medulloblastoma non-WNT/non-SHH group 3. Identifiers: MedGen C4330665, MONDO:0956966.

Submission:

Institute for Genomic Medicine (IGM) Clinical Laboratory, Nationwide Children's Hospital
Classification: Tier II - Potential for Medulloblastoma non-WNT/non-SHH group 3. Assertion type: diagnostic. Clinical significance: supports diagnosis. Last evaluated: 2024-08-14. Review status: criteria provided, single submitter. Criteria: AMP/ASCO/CAP Guidelines, 2017. Collection method: clinical testing. Allele origin: somatic. Affected: yes.
Comment: Variant has Tier II (potential) clinical significance as a diagnostic inclusion criterion in medulloblastoma non-WNT/non-SHH group 3, based on the following evidence: 1) Appears in one or more well-established professional guidelines (e.g., World Health Organization [WHO]; National Comprehensive Cancer Network [NCCN]) as providing diagnostic, prognostic, or therapeutic information. 2) Diagnostic significance based on multiple small studies (Evidence Level C; PMIDs: 22722829, 22832583, 28726821, 23175120).

Literature cited by the submitters: PubMed 22722829; PubMed 22832583; PubMed 28726821; PubMed 23175120.